The following is an entry in ClinVar:

ClinVar aggregate classification (germline): Benign (0 of 4 stars; one submission).

Conditions:
ACVR1C-related disorder. Also called: ACVR1C-related condition.

Allele frequency attached by ClinVar (database versions not stated): gnomAD exomes 0.00069; ExAC 0.00147; gnomAD 0.00367; TOPMed 0.00416; 1000 Genomes Project 0.00419; 1000 Genomes Project 30x 0.00484.

Submission:

PreventionGenetics, part of Exact Sciences
Classification: Benign for ACVR1C-related condition. Last evaluated: 2019-05-28. Review status: no assertion criteria provided. Collection method: clinical testing. Allele origin: germline.
Comment: This variant is classified as benign based on ACMG/AMP sequence variant interpretation guidelines (Richards et al. 2015 PMID: 25741868, with internal and published modifications).

NM_145259.3(ACVR1C):c.1020G>A (p.Ala340=)

Gene: ACVR1C (activin A receptor type 1C; minus strand). Cytogenetic location: 2q24.1.
Variant type: single nucleotide variant.
Coding change: c.1020G>A on transcript NM_145259.3 (MANE Select); coding-DNA position 1020, G replaced by A.
Protein change: p.Ala340=; no amino-acid change (alanine 340 retained).
Molecular consequence: synonymous variant.
Genome position (GRCh38, 1-based): chr2:157,542,786, C>T on the plus strand (G>A on the coding strand, the complement: ACVR1C is on the minus strand). VCF-style: chr2-157542786-C-T. GRCh37 (hg19) VCF-style: chr2-158399298-C-T.
Other names: c.870G>A, p.Ala290= (NM_001111031.2); c.780G>A, p.Ala260= (NM_001111032.2); c.549G>A, p.Ala183= (NM_001111033.2).
Identifiers: ClinVar variation 3039145 (VCV003039145.2), dbSNP rs114476591, ClinGen allele CA1918664.